The following is an entry in ClinVar:

NM_017763.6(RNF43):c.360G>A (p.Leu120=)

Gene: RNF43 (ring finger protein 43; minus strand). Cytogenetic location: 17q22.
Variant type: single nucleotide variant.
Coding change: c.360G>A on transcript NM_017763.6 (MANE Select); coding-DNA position 360, G replaced by A.
Protein change: p.Leu120=; no amino-acid change (leucine 120 retained).
Molecular consequence: synonymous variant. On other transcripts: 5 prime UTR variant (2).
Genome position (GRCh38, 1-based): chr17:58,370,926, C>T on the plus strand (G>A on the coding strand, the complement: RNF43 is on the minus strand). VCF-style: chr17-58370926-C-T. GRCh37 (hg19) VCF-style: chr17-56448287-C-T.
Other names: c.360G>A, p.Leu120= (NM_001305544.3, NM_001438820.1, NM_001438821.1 and 1 more transcripts); c.-22G>A (NM_001305545.2, NM_001437987.1).
Identifiers: ClinVar variation 4155797 (VCV004155797.2).

ClinVar aggregate classification (germline): Benign/Likely benign. Review status: criteria provided, multiple submitters, no conflicts (2 of 4 stars). 2 submissions from 2 submitters: Benign (1); Likely benign (1). Last evaluated 2026-06-29.

Conditions:
Sessile serrated polyposis cancer syndrome (SSPCS). Identifiers: Orphanet 157798, MedGen C4310714, MONDO:0014919, OMIM 617108.

gnomAD v4.1: 1 of 1,603,354 alleles (0.000062%); highest among the groups gnomAD compares: African/African-American, 0.0013%; no homozygotes.

Submissions (2):

Myriad Genetics, Inc.
Classification: Benign for Sessile serrated polyposis cancer syndrome. Last evaluated: 2026-06-29. Review status: criteria provided, single submitter. Criteria: Myriad Autosomal Dominant, Autosomal Recessive and X-Linked Classification Criteria (2023). Collection method: clinical testing. Allele origin: unknown.
Comment: This variant is considered benign. This variant is a silent/synonymous amino acid change and it is not expected to impact splicing.

Ambry Genetics
Classification: Likely benign. Last evaluated: 2025-08-25. Review status: criteria provided, single submitter. Criteria: Ambry Variant Classification Scheme 2023. Collection method: clinical testing. Allele origin: germline.